The following is an entry in ClinVar:

NM_000179.3(MSH6):c.869T>G (p.Leu290Arg)

Gene: MSH6 (mutS homolog 6; plus strand). Cytogenetic location: 2p16.3.
Variant type: single nucleotide variant.
Coding change: c.869T>G on transcript NM_000179.3 (MANE Select); coding-DNA position 869, T replaced by G.
Protein change: p.Leu290Arg; replaces leucine 290 with arginine.
Molecular consequence: missense variant. On other transcripts: 5 prime UTR variant (2).
Genome position (GRCh38, 1-based): chr2:47,798,852, T>G. VCF-style: chr2-47798852-T-G. GRCh37 (hg19) VCF-style: chr2-48025991-T-G.
Other names: c.479T>G, p.Leu160Arg (NM_001281492.2); c.-38T>G (NM_001281493.2, NM_001281494.2); short protein forms L290R, L160R.
Identifiers: ClinVar variation 656029 (VCV000656029.12), dbSNP rs751309721, ClinGen allele CA346740628.

ClinVar aggregate classification (germline): Uncertain significance. Review status: criteria provided, multiple submitters, no conflicts (2 of 4 stars). 2 submissions from 2 submitters: Uncertain significance (2). Last evaluated 2026-06-06.

Conditions:
Hereditary nonpolyposis colorectal neoplasms. Identifiers: MedGen C0009405, MeSH D003123.
Hereditary cancer-predisposing syndrome. Also called: Tumor predisposition; Hereditary Cancer Syndrome; Neoplastic Syndromes, Hereditary; Hereditary neoplastic syndrome. Identifiers: Orphanet 140162, MedGen C0027672, MeSH D009386, MONDO:0015356.

gnomAD v4.1: 10 of 1,614,114 alleles (0.00062%); highest among the groups gnomAD compares: Non-Finnish European, 0.00085%; no homozygotes.

Submissions (2):

Ambry Genetics
Classification: Uncertain significance for Hereditary cancer-predisposing syndrome. Last evaluated: 2026-06-06. Review status: criteria provided, single submitter. Criteria: Ambry Variant Classification Scheme 2023. Collection method: clinical testing. Allele origin: germline.
Comment: The p.L290R variant (also known as c.869T>G), located in coding exon 4 of the MSH6 gene, results from a T to G substitution at nucleotide position 869. The leucine at codon 290 is replaced by arginine, an amino acid with dissimilar properties. This amino acid position is conserved. In addition, this alteration is predicted to be tolerated by in silico analysis. Based on the available evidence, the clinical significance of this variant remains unclear.

Labcorp Genetics (formerly Invitae), Labcorp
Classification: Uncertain significance for Hereditary nonpolyposis colorectal neoplasms. Last evaluated: 2023-06-22. Review status: criteria provided, single submitter. Criteria: Invitae Variant Classification Sherloc (09022015). Collection method: clinical testing. Allele origin: germline.
Comment: This sequence change replaces leucine, which is neutral and non-polar, with arginine, which is basic and polar, at codon 290 of the MSH6 protein (p.Leu290Arg). This variant is not present in population databases (gnomAD no frequency). This variant has not been reported in the literature in individuals affected with MSH6-related conditions. ClinVar contains an entry for this variant (Variation ID: 656029). Advanced modeling of protein sequence and biophysical properties (such as structural, functional, and spatial information, amino acid conservation, physicochemical variation, residue mobility, and thermodynamic stability) performed at Invitae indicates that this missense variant is not expected to disrupt MSH6 protein function. In summary, the available evidence is currently insufficient to determine the role of this variant in disease. Therefore, it has been classified as a Variant of Uncertain Significance.